The following is an entry in ClinVar:

ClinVar aggregate classification (germline): Likely pathogenic (1 of 4 stars; one submission).

Conditions:
Phenylketonuria (PKU). Also called: FOLLING DISEASE; OLIGOPHRENIA PHENYLPYRUVICA; Phenylketonurias; Phenylketonuria (PKU). Identifiers: Orphanet 716, MedGen C0031485, MONDO:0009861, OMIM 261600. Disease mechanism: loss of function.

Submission:

Neuberg Centre For Genomic Medicine, NCGM
Classification: Likely pathogenic for Phenylketonuria. Last evaluated: 2023-07-22. Review status: criteria provided, single submitter. Criteria: ACMG Guidelines, 2015. Collection method: clinical testing. Allele origin: germline. Inheritance: Autosomal recessive inheritance. Affected: yes.
Comment: The frameshift variant c.800dup p.Tyr268ValfsTer15 in PAH gene has not been reported previously as a pathogenic variant nor as a benign variant, to our knowledge. The observed variant is absent in gnomAD exomes database. This variant has not been submitted to the ClinVar database. This variant causes a frameshift starting with codon Tyrosine 268, changes this amino acid to Valine residue, and creates a premature Stop codon at position 15 of the new reading frame, denoted p.Tyr268ValfsTer15. This variant is predicted to cause loss of normal protein function through protein truncation. Loss of function variants have been previously reported to be disease causing. For these reasons, this variant has been classified as Likely Pathogenic.

NM_000277.3(PAH):c.800dup (p.Tyr268fs)

Gene: PAH (phenylalanine hydroxylase; minus strand). Cytogenetic location: 12q23.2.
Variant type: Duplication.
Coding change: c.800dup on transcript NM_000277.3 (MANE Select); coding-DNA position 800, one base duplicated (A; older notation c.800dupA).
Protein change: p.Tyr268fs; shifts the reading frame from tyrosine 268.
Molecular consequence: frameshift variant.
Genome position (GRCh38, 1-based): chr12:102,852,857, T duplicated on the plus strand (A on the coding strand, the reverse complement: PAH is on the minus strand). VCF-style (leftmost placement, unchanged base first): chr12-102852856-C-CT. GRCh37 (hg19) VCF-style: chr12-103246634-C-CT.
Other names: c.800dup, p.Tyr268fs (NM_001354304.2); short protein forms Y268fs.
Identifiers: ClinVar variation 3391271 (VCV003391271.1).
Genomic context (GRCh38, chr12:102,852,856, plus strand): 5'-GCTGGAGGACAGTACTCACGGTTCGGGGGTATACATGGGCTTGGATCCATGTCTGATGTA[C>CT]TGTGTGCAGTGGAAGACTCGGAAGGCCAGGCCACCCAAGAAATCCCGAGAGGAAAGCAGG-3'